The following is an entry in ClinVar:

ClinVar aggregate classification (germline): Uncertain significance (1 of 4 stars; one submission).

Conditions:
Hereditary cancer-predisposing syndrome. Also called: Hereditary Cancer Syndrome; Hereditary neoplastic syndrome; Neoplastic Syndromes, Hereditary; Tumor predisposition. Identifiers: Orphanet 140162, MedGen C0027672, MeSH D009386, MONDO:0015356.

Submission:

Ambry Genetics
Classification: Uncertain significance for Hereditary cancer-predisposing syndrome. Last evaluated: 2023-05-08. Review status: criteria provided, single submitter. Criteria: Ambry Variant Classification Scheme 2023. Collection method: clinical testing. Allele origin: germline.
Comment: The p.G31D variant (also known as c.92G>A), located in coding exon 1 of the MSH6 gene, results from a G to A substitution at nucleotide position 92. The glycine at codon 31 is replaced by aspartic acid, an amino acid with similar properties. This amino acid position is well conserved in available vertebrate species. In addition, this alteration is predicted to be tolerated by in silico analysis. Since supporting evidence is limited at this time, the clinical significance of this alteration remains unclear.

NM_000179.3(MSH6):c.92G>A (p.Gly31Asp)

Gene: MSH6 (mutS homolog 6; plus strand). Cytogenetic location: 2p16.3.
Variant type: single nucleotide variant.
Coding change: c.92G>A on transcript NM_000179.3 (MANE Select); coding-DNA position 92, G replaced by A.
Protein change: p.Gly31Asp; replaces glycine 31 with aspartic acid.
Molecular consequence: missense variant. On other transcripts: 5 prime UTR variant (1).
Genome position (GRCh38, 1-based): chr2:47,783,325, G>A. VCF-style: chr2-47783325-G-A. GRCh37 (hg19) VCF-style: chr2-48010464-G-A.
Other names: c.92G>A, p.Gly31Asp (NM_001281492.2, NM_001406795.1, NM_001406796.1 and 9 more transcripts); c.-645G>A (NM_001281493.2, NM_001406811.1); c.-237G>A (NM_001406799.1); c.37G>A, p.Ala13Thr (NM_001406804.1); c.-837G>A (NM_001406807.1); c.-492G>A (NM_001406812.1); c.-903G>A (NM_001406814.1); c.-448G>A (NM_001406816.1); short protein forms G31D, A13T.
Identifiers: ClinVar variation 1766495 (VCV001766495.3), dbSNP rs2530316591, ClinGen allele CA346734822.
Genomic context (GRCh38, chr2:47,783,325, plus strand): 5'-TCCCCAAGTCTCCGGCGCTGAGTGATGCCAACAAGGCCTCGGCCAGGGCCTCACGCGAAG[G>A]CGGCCGTGCCGCCGCTGCCCCCGGGGCCTCTCCTTCCCCAGGCGGGGATGCGGCCTGGAG-3'
Protein context (NP_000170.1, residues 21-41): NKASARASRE[Gly31Asp]GRAAAAPGAS